The following is an entry in ClinVar:

NM_001161352.2(KCNMA1):c.1909T>G (p.Ser637Ala)

Gene: KCNMA1 (potassium calcium-activated channel subfamily M alpha 1; minus strand). Cytogenetic location: 10q22.3.
Variant type: single nucleotide variant.
Coding change: c.1909T>G on transcript NM_001161352.2 (MANE Select); coding-DNA position 1909, T replaced by G.
Protein change: p.Ser637Ala; replaces serine 637 with alanine.
Molecular consequence: missense variant.
Genome position (GRCh38, 1-based): chr10:77,027,842, A>C on the plus strand (T>G on the coding strand, the complement: KCNMA1 is on the minus strand). VCF-style: chr10-77027842-A-C. GRCh37 (hg19) VCF-style: chr10-78787600-A-C.
Other names: c.1909T>G, p.Ser637Ala (NM_001014797.3, NM_001161353.2, NM_001271519.2 and 7 more transcripts); c.1747T>G, p.Ser583Ala (NM_001271518.2); c.1369T>G, p.Ser457Ala (NM_001322838.2); short protein forms S637A, S457A, S583A.
Identifiers: ClinVar variation 1421609 (VCV001421609.8), dbSNP rs1409251473, ClinGen allele CA377409676.

ClinVar aggregate classification (germline): Uncertain significance (1 of 4 stars; one submission).

Conditions:
Generalized epilepsy-paroxysmal dyskinesia syndrome (PNKD3). Also called: Generalized epilepsy and paroxysmal dyskinesia; Paroxysmal nonkinesigenic dyskinesia, 3, with or without generalized epilepsy. Identifiers: Orphanet 79137, MedGen C5574945, MONDO:0012276, OMIM 609446.

Submission:

Labcorp Genetics (formerly Invitae), Labcorp
Classification: Uncertain significance for Generalized epilepsy-paroxysmal dyskinesia syndrome. Last evaluated: 2020-11-10. Review status: criteria provided, single submitter. Criteria: Invitae Variant Classification Sherloc (09022015). Collection method: clinical testing. Allele origin: germline.
Comment: This sequence change replaces serine with alanine at codon 637 of the KCNMA1 protein (p.Ser637Ala). The serine residue is moderately conserved and there is a moderate physicochemical difference between serine and alanine. This variant is not present in population databases (ExAC no frequency). This variant has not been reported in the literature in individuals with KCNMA1-related conditions. Algorithms developed to predict the effect of missense changes on protein structure and function (SIFT, PolyPhen-2, Align-GVGD) all suggest that this variant is likely to be tolerated, but these predictions have not been confirmed by published functional studies and their clinical significance is uncertain. In summary, the available evidence is currently insufficient to determine the role of this variant in disease. Therefore, it has been classified as a Variant of Uncertain Significance.